The following is an entry in ClinVar:

ClinVar aggregate classification (germline): Uncertain significance (1 of 4 stars; one submission).

Conditions:
Aortic aneurysm, familial thoracic 7 (AAT7). Also called: AORTIC DISSECTION, FAMILIAL, WITH OR WITHOUT AORTIC ANEURYSM. Identifiers: MedGen C3151077, MONDO:0013418, OMIM 613780.

Submission:

Labcorp Genetics (formerly Invitae), Labcorp
Classification: Uncertain significance for Aortic aneurysm, familial thoracic 7. Last evaluated: 2024-09-01. Review status: criteria provided, single submitter. Criteria: Invitae Variant Classification Sherloc (09022015). Collection method: clinical testing. Allele origin: germline.
Comment: This sequence change replaces lysine, which is basic and polar, with arginine, which is basic and polar, at codon 432 of the MYLK protein (p.Lys432Arg). This variant is not present in population databases (gnomAD no frequency). This variant has not been reported in the literature in individuals affected with MYLK-related conditions. Invitae Evidence Modeling of protein sequence and biophysical properties (such as structural, functional, and spatial information, amino acid conservation, physicochemical variation, residue mobility, and thermodynamic stability) indicates that this missense variant is not expected to disrupt MYLK protein function with a negative predictive value of 95%. In summary, the available evidence is currently insufficient to determine the role of this variant in disease. Therefore, it has been classified as a Variant of Uncertain Significance.

NM_053025.4(MYLK):c.1295A>G (p.Lys432Arg)

Gene: MYLK (myosin light chain kinase; minus strand). Cytogenetic location: 3q21.1.
Variant type: single nucleotide variant.
Coding change: c.1295A>G on transcript NM_053025.4 (MANE Select); coding-DNA position 1295, A replaced by G.
Protein change: p.Lys432Arg; replaces lysine 432 with arginine.
Molecular consequence: missense variant.
Genome position (GRCh38, 1-based): chr3:123,733,701, T>C on the plus strand (A>G on the coding strand, the complement: MYLK is on the minus strand). VCF-style: chr3-123733701-T-C. GRCh37 (hg19) VCF-style: chr3-123452548-T-C.
Other names: c.767A>G, p.Lys256Arg (NM_001321309.2); c.1295A>G, p.Lys432Arg (NM_053026.4, NM_053027.4, NM_053028.4); short protein forms K256R, K432R.
Identifiers: ClinVar variation 3635787 (VCV003635787.2).
Genomic context (GRCh38, chr3:123,733,701, plus strand): 5'-AGGGGCTACATTTTGGCAATCGGTGACCCTAATTACCTCTACTCACCTTCACATCTGAAC[T>C]TGACAGTTTGATTTTCCTTGACCTCCTGGCTTTGGGGCTTGCTCTCAAATTTGGGGAATG-3'
Protein context (NP_444253.3, residues 422-442): SQEVKENQTV[Lys432Arg]FRCEVSGIPK